The following is an entry in ClinVar:

NM_000540.3(RYR1):c.11727G>A (p.Thr3909=)

Gene: RYR1 (ryanodine receptor 1; plus strand). Cytogenetic location: 19q13.2.
Variant type: single nucleotide variant.
Coding change: c.11727G>A on transcript NM_000540.3 (MANE Select); coding-DNA position 11727, G replaced by A.
Protein change: p.Thr3909=; no amino-acid change (threonine 3909 retained).
Molecular consequence: synonymous variant.
Genome position (GRCh38, 1-based): chr19:38,543,384, G>A. VCF-style: chr19-38543384-G-A. GRCh37 (hg19) VCF-style: chr19-39034024-G-A.
Other names: c.11712G>A, p.Thr3904= (NM_001042723.2).
Identifiers: ClinVar variation 2737697 (VCV002737697.4), dbSNP rs767579655, ClinGen allele CA057557.

ClinVar aggregate classification (germline): Likely benign. Review status: criteria provided, multiple submitters, no conflicts (2 of 4 stars). 2 submissions from 2 submitters: Likely benign (2). Last evaluated 2025-11-04.

Conditions:
Malignant hyperthermia, susceptibility to, 1 (MHS1). Also called: RYR1-Related Malignant Hyperthermia Susceptibility; Malignant hyperthermia suceptibility 1; Anesthesia related hyperthermia; Malignant hyperpyrexia; Fulminating hyperpyrexia; Pharmacogenic myopathy. Identifiers: Orphanet 423, MedGen C2930980, MONDO:0007783, OMIM 145600.
RYR1-related disorder. Also called: RYR1-related disorders; RYR1-related condition. Identifiers: MedGen CN239331.

Allele frequency attached by ClinVar (database versions not stated): ExAC 0.00001.
gnomAD v4.1: 3 of 1,614,124 alleles (0.00019%); highest among the groups gnomAD compares: South Asian, 0.0011%; no homozygotes.

Submissions (2):

Labcorp Genetics (formerly Invitae), Labcorp
Classification: Likely benign for RYR1-related disorder. Last evaluated: 2025-11-04. Review status: criteria provided, single submitter. Criteria: Invitae Variant Classification Sherloc (09022015). Collection method: clinical testing. Allele origin: germline.

All of Us Research Program, National Institutes of Health
Classification: Likely benign for Malignant hyperthermia, susceptibility to, 1. Last evaluated: 2024-05-14. Review status: criteria provided, single submitter. Criteria: ACMG Guidelines, 2015. Collection method: clinical testing. Allele origin: germline. Inheritance: Autosomal dominant inheritance. Observed: 1 variant allele, 1 heterozygote.
Comment: This study involves interpretation of variants in research participants for the purpose of population health screening. Participant phenotype was not available at the time of variant classification. Additional details can be found in publication PMID: 35346344, PMCID: PMC8962531